The following is an entry in ClinVar:

ClinVar aggregate classification (germline): Pathogenic (1 of 4 stars; one submission).

Conditions:
Familial dysfibrinogenemia. Also called: Dysfibrinogenemia, congenital. Identifiers: Orphanet 335, Orphanet 98881, MedGen C0272350, MONDO:0014452, OMIM 616004.

Submission:

Women's Health and Genetics/Laboratory Corporation of America, LabCorp
Classification: Pathogenic for Familial dysfibrinogenemia. Last evaluated: 2023-12-27. Review status: criteria provided, single submitter. Criteria: LabCorp Variant Classification Summary - May 2015. Collection method: clinical testing. Allele origin: germline.
Comment: Variant summary: The variant involves the deletion of exons 1-5 in the FGA gene. A presumed nomenclature of c.(?_-56)_(*220_?)del has been designated for the purposes of this classification. This deletion includes the entire coding sequence of the gene, and FGA is a gene for which loss-of-function is an established mechanism of disease. As the exact proximal and distal breakpoints are unknown, it may extend beyond the annotated region of the gene to include other flanking genes. The variant was absent in 21694 control chromosomes (gnomAD Structural Variants dataset). To our knowledge, no occurrence of c.(?_-56)_(*220_?)del in individuals affected with Dysfibrinogenemia, Congenital and no experimental evidence demonstrating its impact on protein function have been reported. Two submitters have reported clinical-significance assessments for large deletion variants (approx. 4.1Mb and 3.6Mb) after 2014, which involve the FGA gene together with the deletion of both upstream and downstream flanking genes. One submitter classified the variant as likely pathogenic, and one submitter classified it as uncertain significance, however without evidence for independent evaluation. Based on the evidence outlined above, the variant was classified as pathogenic.

NC_000004.11:g.(?_155506426)_(155511895_?)del

Gene: FGA (fibrinogen alpha chain; minus strand). Cytogenetic location: 4q31.3.
Variant type: Deletion.
Identifiers: ClinVar variation 2691433 (VCV002691433.1).